The following is an entry in ClinVar:

NM_181507.2(HPS5):c.927_928del (p.Gly310fs)

Gene: HPS5 (HPS5 biogenesis of lysosomal organelles complex 2 subunit 2; minus strand). Cytogenetic location: 11p15.1.
Variant type: Microsatellite.
Coding change: c.927_928del on transcript NM_181507.2 (MANE Select); coding-DNA positions 927 to 928, 2 bases deleted (AG; older notation c.927_928delAG).
Protein change: p.Gly310fs; shifts the reading frame from glycine 310.
Molecular consequence: frameshift variant.
Genome position (GRCh38, 1-based): chr11:18,300,885-18,300,886, CT deleted on the plus strand (AG on the coding strand, the reverse complement: HPS5 is on the minus strand); deleting any 2 consecutive bases within chr11:18,300,885-18,300,888 gives the same sequence; the c. name uses the placement nearest the transcript's 3' end. VCF-style (leftmost placement, unchanged base first): chr11-18300884-CCT-C. GRCh37 (hg19) VCF-style: chr11-18322431-CCT-C.
Other names: c.585_586del, p.Gly196fs (NM_007216.4); c.583_584AG[1], p.Gly196Asnfs (NM_181508.2); short protein forms G196fs, G310fs.
Identifiers: ClinVar variation 3382311 (VCV003382311.2).

ClinVar aggregate classification (germline): Likely pathogenic (1 of 4 stars; one submission).

Conditions:
Hermansky-Pudlak syndrome 5 (HPS5). Identifiers: Orphanet 231512, Orphanet 79430, MedGen C3888004, MONDO:0013557, OMIM 614074.

Submission:

Juno Genomics, Hangzhou Juno Genomics, Inc
Classification: Likely pathogenic for Hermansky-Pudlak syndrome 5. Review status: criteria provided, single submitter. Criteria: ACMG Guidelines, 2015. Collection method: clinical testing. Allele origin: germline. Affected: yes.
Comment: Absent from controls (or at extremely low frequency if recessive) in Genome Aggregation Database, Exome Sequencing Project, 1000 Genomes Project, or Exome Aggregation Consortium.;Null variant in a gene where loss of function (LOF) is a known mechanism of disease.